The following is an entry in ClinVar:

NM_006206.6(PDGFRA):c.263G>A (p.Ser88Asn)

Gene: PDGFRA (platelet derived growth factor receptor alpha; plus strand). Cytogenetic location: 4q12.
Variant type: single nucleotide variant.
Coding change: c.263G>A on transcript NM_006206.6 (MANE Select); coding-DNA position 263, G replaced by A.
Protein change: p.Ser88Asn; replaces serine 88 with asparagine.
Molecular consequence: missense variant.
Genome position (GRCh38, 1-based): chr4:54,261,308, G>A. VCF-style: chr4-54261308-G-A. GRCh37 (hg19) VCF-style: chr4-55127475-G-A.
Other names: c.263G>A, p.Ser88Asn (NM_001347827.2, NM_001347829.2); c.338G>A, p.Ser113Asn (NM_001347828.2); c.302G>A, p.Ser101Asn (NM_001347830.2); short protein forms S101N, S113N, S88N.
Identifiers: ClinVar variation 3676516 (VCV003676516.2).

ClinVar aggregate classification (germline): Uncertain significance (1 of 4 stars; one submission).

Conditions:
Gastrointestinal stromal tumor. Also called: Gastrointestinal stromal tumor, somatic; Gastrointestinal stroma tumor. Identifiers: Orphanet 44890, MedGen C0238198, MeSH D046152, MONDO:0011719, OMIM 606764, HP:0100723.

Submission:

Labcorp Genetics (formerly Invitae), Labcorp
Classification: Uncertain significance for Gastrointestinal stromal tumor. Last evaluated: 2025-11-10. Review status: criteria provided, single submitter. Criteria: Invitae Variant Classification Sherloc (09022015). Collection method: clinical testing. Allele origin: germline.
Comment: This sequence change replaces serine, which is neutral and polar, with asparagine, which is neutral and polar, at codon 88 of the PDGFRA protein (p.Ser88Asn). This variant is not present in population databases (gnomAD no frequency). This variant has not been reported in the literature in individuals affected with PDGFRA-related conditions. ClinVar contains an entry for this variant (Variation ID: 3676516). Invitae Evidence Modeling of protein sequence and biophysical properties (such as structural, functional, and spatial information, amino acid conservation, physicochemical variation, residue mobility, and thermodynamic stability) indicates that this missense variant is not expected to disrupt PDGFRA protein function with a negative predictive value of 80%. In summary, the available evidence is currently insufficient to determine the role of this variant in disease. Therefore, it has been classified as a Variant of Uncertain Significance.